The following is an entry in ClinVar:

NM_198334.3(GANAB):c.1320C>T (p.Thr440=)

Gene: GANAB (glucosidase II alpha subunit; minus strand). Cytogenetic location: 11q12.3.
Variant type: single nucleotide variant.
Coding change: c.1320C>T on transcript NM_198334.3 (MANE Select); coding-DNA position 1320, C replaced by T.
Protein change: p.Thr440=; no amino-acid change (threonine 440 retained).
Molecular consequence: synonymous variant.
Genome position (GRCh38, 1-based): chr11:62,630,667, G>A on the plus strand (C>T on the coding strand, the complement: GANAB is on the minus strand). VCF-style: chr11-62630667-G-A. GRCh37 (hg19) VCF-style: chr11-62398139-G-A.
Other names: p.Thr462=; c.1044C>T, p.Thr348= (NM_001278192.2); c.978C>T, p.Thr326= (NM_001278193.2); c.1029C>T, p.Thr343= (NM_001278194.2, NM_001329222.2, NM_001329223.2); c.597C>T, p.Thr199= (NM_001329224.2, NM_001329225.2); c.1386C>T, p.Thr462= (NM_198335.4).
Identifiers: ClinVar variation 726360 (VCV000726360.13), dbSNP rs141271178, ClinGen allele CA6050818.

ClinVar aggregate classification (germline): Benign/Likely benign. Review status: criteria provided, multiple submitters, no conflicts (2 of 4 stars). 5 submissions from 5 submitters: Benign (1); Likely benign (4). Last evaluated 2025-11-04.

Allele frequency attached by ClinVar (database versions not stated): gnomAD exomes 0.00034 and 0.00101; ExAC 0.00131; 1000 Genomes Project 0.00339; gnomAD 0.00380 and 0.00404; ESP Exome Variant Server 0.00431; TOPMed 0.00462; 1000 Genomes Project 30x 0.00484.
gnomAD v4.1: 1,090 of 1,614,214 alleles (0.068%); highest among the groups gnomAD compares: African/African-American, 1.2%; 3 homozygotes.

Submissions (5):

Labcorp Genetics (formerly Invitae), Labcorp
Classification: Benign. Last evaluated: 2025-11-04. Review status: criteria provided, single submitter. Criteria: Invitae Variant Classification Sherloc (09022015). Collection method: clinical testing. Allele origin: germline.

Mayo Clinic Laboratories, Mayo Clinic
Classification: Likely benign. Last evaluated: 2025-01-04. Review status: criteria provided, single submitter. Criteria: ACMG Guidelines, 2015. Collection method: clinical testing. Allele origin: germline. Observed: 4 variant alleles.
Comment: BS1, BP4, BP7

Blueprint Genetics
Classification: Likely benign. Last evaluated: 2024-10-31. Review status: criteria provided, single submitter. Criteria: ACMG Guidelines, 2015. Collection method: clinical testing. Allele origin: germline.

GeneDx
Classification: Likely benign. Last evaluated: 2021-05-05. Review status: criteria provided, single submitter. Criteria: GeneDx Variant Classification Process June 2021. Collection method: clinical testing. Allele origin: germline. Affected: yes.

Breakthrough Genomics
Classification: Likely benign. Review status: criteria provided, single submitter. Criteria: ACMG Guidelines, 2015. Collection method: not provided. Allele origin: germline. Inheritance: Autosomal dominant inheritance. Affected: yes.